The following is an entry in ClinVar:

ClinVar aggregate classification (germline): Uncertain significance. Review status: criteria provided, multiple submitters, no conflicts (2 of 4 stars). 5 submissions from 5 submitters: Uncertain significance (4). 1 of the submissions does not count toward it. Last evaluated 2025-11-23.

Conditions:
Primary ciliary dyskinesia 9. Also called: CILIARY DYSKINESIA, PRIMARY, 9, WITH OR WITHOUT SITUS INVERSUS. Identifiers: Orphanet 244, MedGen C2676235, MONDO:0012906, OMIM 612444.
Primary ciliary dyskinesia. Also called: Ciliary dyskinesia. Identifiers: Orphanet 244, MedGen C0008780, MONDO:0016575, HP:0012265.

Allele frequency attached by ClinVar (database versions not stated): ExAC 0.00003; gnomAD exomes 0.00005 and 0.00013; gnomAD 0.00007; TOPMed 0.00009; ESP Exome Variant Server 0.00015.
gnomAD v4.1: 193 of 1,614,096 alleles (0.012%); highest among the groups gnomAD compares: Non-Finnish European, 0.015%; no homozygotes.

Submissions (5):

Labcorp Genetics (formerly Invitae), Labcorp
Classification: Uncertain significance for Primary ciliary dyskinesia. Last evaluated: 2025-11-23. Review status: criteria provided, single submitter. Criteria: Invitae Variant Classification Sherloc (09022015). Collection method: clinical testing. Allele origin: germline.
Comment: This sequence change replaces arginine, which is basic and polar, with histidine, which is basic and polar, at codon 95 of the DNAI2 protein (p.Arg95His). This variant is present in population databases (rs201521142, gnomAD 0.009%). This variant has not been reported in the literature in individuals affected with DNAI2-related conditions. ClinVar contains an entry for this variant (Variation ID: 571240). Invitae Evidence Modeling of protein sequence and biophysical properties (such as structural, functional, and spatial information, amino acid conservation, physicochemical variation, residue mobility, and thermodynamic stability) indicates that this missense variant is expected to disrupt DNAI2 protein function with a positive predictive value of 95%. In summary, the available evidence is currently insufficient to determine the role of this variant in disease. Therefore, it has been classified as a Variant of Uncertain Significance.

Blueprint Genetics
Classification: Uncertain significance. Last evaluated: 2022-01-24. Review status: criteria provided, single submitter. Criteria: ACMG Guidelines, 2015. Collection method: clinical testing. Allele origin: germline.

Illumina Laboratory Services, Illumina
Classification: Uncertain significance for Primary ciliary dyskinesia 9. Last evaluated: 2018-01-12. Review status: criteria provided, single submitter. Criteria: ICSL Variant Classification Criteria 13 December 2019. Collection method: clinical testing. Allele origin: germline.

Ambry Genetics
Classification: Uncertain significance for Primary ciliary dyskinesia. Last evaluated: 2016-11-07. Review status: criteria provided, single submitter. Criteria: Ambry Variant Classification Scheme 2023. Collection method: clinical testing. Allele origin: germline.
Comment: The p.R95H variant (also known as c.284G>A), located in coding exon 2 of the DNAI2 gene, results from a G to A substitution at nucleotide position 284. The arginine at codon 95 is replaced by histidine, an amino acid with highly similar properties. This variant was previously reported in the SNPDatabase as rs201521142. Based on data from the NHLBI Exome Sequencing Project (ESP), the A allele has an overall frequency of approximately 0.02% (2/13006) total alleles studied and 0.02% (2/8600) European American alleles. This amino acid position is highly conserved in available vertebrate species. In addition, the in silico prediction for this alteration is inconclusive. Since supporting evidence is limited at this time, the clinical significance of this alteration remains unclear.

Natera, Inc.
Classification: Uncertain significance for Primary ciliary dyskinesia. Last evaluated: 2019-10-28. Review status: no assertion criteria provided. Collection method: clinical testing. Allele origin: germline. Not counted in ClinVar's aggregate classification.

NM_023036.6(DNAI2):c.284G>A (p.Arg95His)

Gene: DNAI2 (dynein axonemal intermediate chain 2; plus strand). Cytogenetic location: 17q25.1.
Variant type: single nucleotide variant.
Coding change: c.284G>A on transcript NM_023036.6 (MANE Select); coding-DNA position 284, G replaced by A.
Protein change: p.Arg95His; replaces arginine 95 with histidine.
Molecular consequence: missense variant. On other transcripts: non-coding transcript variant (1).
Genome position (GRCh38, 1-based): chr17:74,285,140, G>A. VCF-style: chr17-74285140-G-A. GRCh37 (hg19) VCF-style: chr17-72281279-G-A.
Other names: c.284G>A, p.Arg95His (NM_001172810.3, NM_001353167.2); short protein forms R95H.
Identifiers: ClinVar variation 571240 (VCV000571240.15), dbSNP rs201521142, ClinGen allele CA8745307.
Genomic context (GRCh38, chr17:74,285,140, plus strand): 5'-ACCATGTCGAGGGGGGCTGGCCCAAGGACGTGAACCCCCTGGAGCTGGAGCAGACCATCC[G>A]TTTCCGGAAGAAAGTGGAGAAAGATGAGAACTACGTTAACGCCATCATGCAGCTCGGCTC-3'
Protein context (NP_075462.3, residues 85-105): VNPLELEQTI[Arg95His]FRKKVEKDEN